The following is an entry in ClinVar:

NM_007294.4(BRCA1):c.1927A>G (p.Ser643Gly)

Gene: BRCA1 (BRCA1 DNA repair associated; minus strand). Cytogenetic location: 17q21.31.
Variant type: single nucleotide variant.
Coding change: c.1927A>G on transcript NM_007294.4 (MANE Select); coding-DNA position 1927, A replaced by G.
Protein change: p.Ser643Gly; replaces serine 643 with glycine.
Molecular consequence: missense variant. On other transcripts: intron variant (137).
Genome position (GRCh38, 1-based): chr17:43,093,604, T>C on the plus strand (A>G on the coding strand, the complement: BRCA1 is on the minus strand). VCF-style: chr17-43093604-T-C. GRCh37 (hg19) VCF-style: chr17-41245621-T-C.
Other names: 2046A>G; c.1714A>G, p.Ser572Gly (NM_001407571.1, NM_001407853.1, NM_001407894.1 and 9 more transcripts); c.1927A>G, p.Ser643Gly (NM_001407581.1, NM_001407582.1, NM_001407583.1 and 30 more transcripts); c.1924A>G, p.Ser642Gly (NM_001407587.1, NM_001407590.1, NM_001407591.1 and 22 more transcripts); c.1918A>G, p.Ser640Gly (NM_001407646.1, NM_001407647.1); c.1804A>G, p.Ser602Gly (NM_001407648.1, NM_001407664.1, NM_001407665.1 and 19 more transcripts); c.1801A>G, p.Ser601Gly (NM_001407649.1, NM_001407670.1, NM_001407671.1 and 11 more transcripts); c.1849A>G, p.Ser617Gly (NM_001407653.1, NM_001407654.1, NM_001407655.1 and 4 more transcripts); and 41 more; short protein forms S643G, S596G, S347G, S516G, S572G, S595G, S617G, S554G.
Identifiers: ClinVar variation 54402 (VCV000054402.24), dbSNP rs80357105, ClinGen allele CA001274.
Genomic context (GRCh38, chr17:43,093,604, plus strand): 5'-TGTGCCTGACTGGCATTTGGTTGTACTTTTTTTTCTTTATCTCTTCACTGCTAGAACAAC[T>C]ATCAATTTGCAATTCAGTACAATTAGGTGGGCTTAGATTTCTACTGACTACTAGTTCAAG-3'
Protein context (NP_009225.1, residues 633-653): PPNCTELQID[Ser643Gly]CSSSEEIKKK

ClinVar aggregate classification (germline): Benign. Review status: reviewed by expert panel (3 of 4 stars). 9 submissions from 9 submitters: Benign (1). 8 of the submissions do not count toward it. Last evaluated 2019-06-18.

Conditions:
Hereditary cancer-predisposing syndrome. Also called: Tumor predisposition; Neoplastic Syndromes, Hereditary; Hereditary Cancer Syndrome; Hereditary neoplastic syndrome. Identifiers: Orphanet 140162, MedGen C0027672, MeSH D009386, MONDO:0015356.
Hereditary breast ovarian cancer syndrome. Also called: Hereditary breast and ovarian cancer syndrome (HBOC); Hereditary breast and ovarian cancer syndrome; Hereditary breast and ovarian cancer; Hereditary breast and/or ovarian cancer syndrome; Breast and ovarian cancer; BRCA1- and BRCA2-Associated Hereditary Breast and Ovarian Cancer. Identifiers: Orphanet 145, MedGen C0677776, MeSH D061325, MONDO:0003582. Disease mechanism: loss of function.
Breast-ovarian cancer, familial, susceptibility to, 1 (BROVCA1). Also called: OVARIAN CANCER, SUSCEPTIBILITY TO; BRCA1 Hereditary Breast and Ovarian Cancer. Identifiers: Orphanet 145, MedGen C2676676, MONDO:0011450, OMIM 604370. Disease mechanism: loss of function.

Allele frequency attached by ClinVar (database versions not stated): TOPMed 0.00001.

Submissions (9):

Evidence-based Network for the Interpretation of Germline Mutant Alleles (ENIGMA)
Classification: Benign for Breast-ovarian cancer, familial, susceptibility to, 1. Last evaluated: 2019-06-18. Review status: reviewed by expert panel. Criteria: ENIGMA BRCA1/2 Classification Criteria (2017-06-29). Collection method: curation. Allele origin: germline.
Comment: IARC class based on posterior probability from multifactorial likelihood analysis, thresholds for class as per Plon et al. 2008 (PMID: 18951446). Class 1 based on posterior probability = 0.00055

Labcorp Genetics (formerly Invitae), Labcorp
Classification: Likely benign for Hereditary breast ovarian cancer syndrome. Last evaluated: 2025-10-08. Review status: criteria provided, single submitter. Criteria: Invitae Variant Classification Sherloc (09022015). Collection method: clinical testing. Allele origin: germline. Not counted in ClinVar's aggregate classification.

Quest Diagnostics Nichols Institute San Juan Capistrano
Classification: Uncertain significance. Last evaluated: 2025-03-31. Review status: criteria provided, single submitter. Criteria: Quest Diagnostics criteria. Collection method: clinical testing. Allele origin: unknown. Not counted in ClinVar's aggregate classification.
Comment: The BRCA1 c.1927A>G (p.Ser643Gly) variant has been reported in the published literature in individuals with breast and/or ovarian cancer (PMID: 29371908 (2018), 9150149 (1997)). This variant was reported as being benign in a multifactorial likelihood study (PMID: 31131967 (2019)). This variant has not been reported in large, multi-ethnic general populations (Genome Aggregation Database). Analysis of this variant using bioinformatics tools for the prediction of the effect of amino acid changes on protein structure and function yielded conflicting predictions that this variant is benign or damaging. Based on the available information, we are unable to determine the clinical significance of this variant.

Ambry Genetics
Classification: Uncertain significance for Hereditary cancer-predisposing syndrome. Last evaluated: 2025-01-30. Review status: criteria provided, single submitter. Criteria: Ambry Variant Classification Scheme 2023. Collection method: clinical testing. Allele origin: germline. Not counted in ClinVar's aggregate classification.
Comment: The p.S643G variant (also known as c.1927A>G), located in coding exon 9 of the BRCA1 gene, results from an A to G substitution at nucleotide position 1927. The serine at codon 643 is replaced by glycine, an amino acid with similar properties. In a study of 160 women with a family history of breast and/or ovarian cancer, this variant was reported in one family with a history of breast cancer (Stoppa-Lyonnet D et al. Am. J. Hum. Genet. 1997 May;60:1021-30). This alteration was also classsified as benign in a multifactorial model of variant interpretation that incorporates co-segregation, family history, co-occurrence and tumor pathology and case-control data (Parsons MT et al. Hum Mutat. 2019 09;40(9):1557-1578). This amino acid position is well conserved in available vertebrate species. In addition, this alteration is predicted to be deleterious by in silico analysis. Based on the available evidence, the clinical significance of this variant remains unclear.

Color Diagnostics, LLC DBA Color Health
Classification: Uncertain significance for Hereditary cancer-predisposing syndrome. Last evaluated: 2019-01-04. Review status: criteria provided, single submitter. Criteria: ACMG Guidelines, 2015. Collection method: clinical testing. Allele origin: germline. Not counted in ClinVar's aggregate classification.

GeneDx
Classification: Uncertain significance. Last evaluated: 2015-09-28. Review status: criteria provided, single submitter. Criteria: GeneDx Variant Classification (06012015). Collection method: clinical testing. Allele origin: germline. Affected: yes. Not counted in ClinVar's aggregate classification.
Comment: This variant is denoted BRCA1 c.1927A>G at the cDNA level, p.Ser643Gly (S643G) at the protein level, and results in the change of a Serine to a Glycine (AGT>GGT). Using alternate nomenclature, this variant has been previously published as BRCA1 2046A>G, having been observed in a breast cancer family (Stoppa-Lyonnet 1997). BRCA1 Ser643Gly was not observed in approximately 6,500 individuals of European and African American ancestry in the NHLBI Exome Sequencing Project, indicating it is not a common benign variant in these populations. Since Serine and Glycine differ in polarity, charge, size or other properties, this is considered a non-conservative amino acid substitution. BRCA1 Ser643Gly occurs at a position where amino acids with properties similar to Serine are tolerated across species and is located in the DNA binding domain (Narod 2004). In silico analyses predict that this variant is probably damaging to protein structure and function. Based on currently available evidence, it is unclear whether BRCA1 Ser643Gly is pathogenic or benign.

Counsyl
Classification: Uncertain significance for Breast-ovarian cancer, familial, susceptibility to, 1. Last evaluated: 2017-03-28. Review status: no assertion criteria provided. Collection method: clinical testing. Allele origin: unknown. Not counted in ClinVar's aggregate classification.

Sharing Clinical Reports Project (SCRP)
Classification: Uncertain significance for Breast-ovarian cancer, familial 1. Last evaluated: 2009-02-06. Review status: no assertion criteria provided. Collection method: clinical testing. Allele origin: germline. Not counted in ClinVar's aggregate classification.

Breast Cancer Information Core (BIC) (BRCA1)
Classification: Uncertain significance for Breast-ovarian cancer, familial 1. Last evaluated: 2004-11-25. Review status: no assertion criteria provided. Collection method: clinical testing. Allele origin: germline. Affected: yes. Observed: 1 variant allele. Not counted in ClinVar's aggregate classification.

Literature cited by the submitters: PubMed 31131967 (cited by 3 submitters); PubMed 29371908 (cited by Quest Diagnostics Nichols Institute San Juan Capistrano and Ambry Genetics); PubMed 9150149 (cited by 3 submitters); PubMed 34981296 (cited by Quest Diagnostics Nichols Institute San Juan Capistrano); PubMed 33087888 (cited by Quest Diagnostics Nichols Institute San Juan Capistrano).